The following is an entry in ClinVar:

ClinVar aggregate classification (germline): Benign/Likely benign. Review status: criteria provided, multiple submitters, no conflicts (2 of 4 stars). 3 submissions from 3 submitters: Benign (2); Likely benign (1). Last evaluated 2023-01-01.

Allele frequency attached by ClinVar (database versions not stated): ESP Exome Variant Server 0.00305; 1000 Genomes Project 30x 0.00390; gnomAD 0.00398 and 0.00400; 1000 Genomes Project 0.00399; gnomAD exomes 0.00419 and 0.00464; ExAC 0.00433; TOPMed 0.00459.
gnomAD v4.1: 7,445 of 1,608,302 alleles (0.46%); highest among the groups gnomAD compares: Middle Eastern, 0.61%; 30 homozygotes.

Submissions (3):

CeGaT Center for Human Genetics Tuebingen
Classification: Likely benign. Last evaluated: 2023-01-01. Review status: criteria provided, single submitter. Criteria: CeGaT Center For Human Genetics Tuebingen Variant Classification Criteria Version 2. Collection method: clinical testing. Allele origin: germline. Affected: yes. Observed: 2 variant alleles.
Comment: JRK: BP4, BP7, BS2

Labcorp Genetics (formerly Invitae), Labcorp
Classification: Benign. Last evaluated: 2019-12-31. Review status: criteria provided, single submitter. Criteria: Invitae Variant Classification Sherloc (09022015). Collection method: clinical testing. Allele origin: germline.

Breakthrough Genomics
Classification: Benign. Review status: criteria provided, single submitter. Criteria: ACMG Guidelines, 2015. Collection method: not provided. Allele origin: germline. Inheritance: Unknown mechanism. Affected: yes.

NM_003724.4(JRK):c.1527G>A (p.Ala509=)

Gene: JRK (Jrk helix-turn-helix protein; minus strand). Cytogenetic location: 8q24.3.
Variant type: single nucleotide variant.
Coding change: c.1527G>A on transcript NM_003724.4 (MANE Select); coding-DNA position 1527, G replaced by A.
Protein change: p.Ala509=; no amino-acid change (alanine 509 retained).
Molecular consequence: synonymous variant.
Genome position (GRCh38, 1-based): chr8:142,664,532, C>T on the plus strand (G>A on the coding strand, the complement: JRK is on the minus strand). VCF-style: chr8-142664532-C-T. GRCh37 (hg19) VCF-style: chr8-143745949-C-T.
Other names: c.1527G>A, p.Ala509= (NM_001077527.3, NM_001279352.2).
Identifiers: ClinVar variation 715014 (VCV000715014.29), dbSNP rs147803227, ClinGen allele CA4903140.